The following is an entry in ClinVar:

ClinVar aggregate classification (germline): Uncertain significance (1 of 4 stars; one submission).

gnomAD v4.1: 35 of 1,589,684 alleles (0.0022%); highest among the groups gnomAD compares: Admixed American, 0.02%; no homozygotes.

Submission:

Labcorp Genetics (formerly Invitae), Labcorp
Classification: Uncertain significance. Last evaluated: 2025-12-25. Review status: criteria provided, single submitter. Criteria: Invitae Variant Classification Sherloc (09022015). Collection method: clinical testing. Allele origin: germline.
Comment: This sequence change replaces threonine, which is neutral and polar, with methionine, which is neutral and non-polar, at codon 3 of the PPP2R5B protein (p.Thr3Met). This variant is present in population databases (rs772148043, gnomAD 0.01%). This variant has not been reported in the literature in individuals affected with PPP2R5B-related conditions. An algorithm developed to predict the effect of missense changes on protein structure and function (PolyPhen-2) suggests that this variant is likely to be disruptive. In summary, the available evidence is currently insufficient to determine the role of this variant in disease. Therefore, it has been classified as a Variant of Uncertain Significance.

NM_006244.4(PPP2R5B):c.8C>T (p.Thr3Met)

Gene: PPP2R5B (protein phosphatase 2 regulatory subunit B'beta; plus strand). Cytogenetic location: 11q13.1.
Variant type: single nucleotide variant.
Coding change: c.8C>T on transcript NM_006244.4 (MANE Select); coding-DNA position 8, C replaced by T.
Protein change: p.Thr3Met; replaces threonine 3 with methionine.
Molecular consequence: missense variant.
Genome position (GRCh38, 1-based): chr11:64,925,742, C>T. VCF-style: chr11-64925742-C-T. GRCh37 (hg19) VCF-style: chr11-64693214-C-T.
Other names: short protein forms T3M.
Identifiers: ClinVar variation 4691418 (VCV004691418.1).